The following is an entry in ClinVar:

ClinVar aggregate classification (germline): Uncertain significance. Review status: criteria provided, multiple submitters, no conflicts (2 of 4 stars). 2 submissions from 2 submitters: Uncertain significance (2). Last evaluated 2025-04-25.

Conditions:
Inborn genetic diseases. Identifiers: MedGen C0950123, MeSH D030342.

Allele frequency attached by ClinVar (database versions not stated): gnomAD 0.00001; ExAC 0.00001; 1000 Genomes Project 30x 0.00016.
gnomAD v4.1: 7 of 1,611,018 alleles (0.00043%); highest among the groups gnomAD compares: South Asian, 0.0033%; no homozygotes.

Submissions (2):

Ambry Genetics
Classification: Uncertain significance for Inborn genetic diseases. Last evaluated: 2025-04-25. Review status: criteria provided, single submitter. Criteria: Ambry Variant Classification Scheme 2023. Collection method: clinical testing. Allele origin: germline.

Labcorp Genetics (formerly Invitae), Labcorp
Classification: Uncertain significance. Last evaluated: 2022-02-09. Review status: criteria provided, single submitter. Criteria: Invitae Variant Classification Sherloc (09022015). Collection method: clinical testing. Allele origin: germline.
Comment: This sequence change replaces valine, which is neutral and non-polar, with phenylalanine, which is neutral and non-polar, at codon 152 of the NDUFS4 protein (p.Val152Phe). This variant is present in population databases (rs771537276, gnomAD 0.01%). This variant has not been reported in the literature in individuals affected with NDUFS4-related conditions. Algorithms developed to predict the effect of missense changes on protein structure and function are either unavailable or do not agree on the potential impact of this missense change (SIFT: "Not Available"; PolyPhen-2: "Benign"; Align-GVGD: "Not Available"). In summary, the available evidence is currently insufficient to determine the role of this variant in disease. Therefore, it has been classified as a Variant of Uncertain Significance.

NM_002495.4(NDUFS4):c.454G>T (p.Val152Phe)

Gene: NDUFS4 (NADH:ubiquinone oxidoreductase subunit S4; plus strand). Cytogenetic location: 5q11.2.
Variant type: single nucleotide variant.
Coding change: c.454G>T on transcript NM_002495.4 (MANE Select); coding-DNA position 454, G replaced by T.
Protein change: p.Val152Phe; replaces valine 152 with phenylalanine.
Molecular consequence: missense variant. On other transcripts: 3 prime UTR variant (1), non-coding transcript variant (3).
Genome position (GRCh38, 1-based): chr5:53,683,147, G>T. VCF-style: chr5-53683147-G-T. GRCh37 (hg19) VCF-style: chr5-52978977-G-T.
Other names: c.*17G>T (NM_001318051.2); c.454G>T (NM_002495.2); short protein forms V152F.
Identifiers: ClinVar variation 1935705 (VCV001935705.3), dbSNP rs771537276, ClinGen allele CA3264338.